The following is an entry in ClinVar:

ClinVar aggregate classification (germline): Uncertain significance (1 of 4 stars; one submission).

Submission:

Labcorp Genetics (formerly Invitae), Labcorp
Classification: Uncertain significance. Last evaluated: 2024-10-02. Review status: criteria provided, single submitter. Criteria: Invitae Variant Classification Sherloc (09022015). Collection method: clinical testing. Allele origin: germline.
Comment: This variant, c.7024_7026del, results in the deletion of 1 amino acid(s) of the ADGRV1 protein (p.Ile2342del), but otherwise preserves the integrity of the reading frame. This variant is not present in population databases (gnomAD no frequency). This variant has not been reported in the literature in individuals affected with ADGRV1-related conditions. Experimental studies and prediction algorithms are not available or were not evaluated, and the functional significance of this variant is currently unknown. In summary, the available evidence is currently insufficient to determine the role of this variant in disease. Therefore, it has been classified as a Variant of Uncertain Significance.

NM_032119.4(ADGRV1):c.7018ATT[2] (p.Ile2342del)

Gene: ADGRV1 (adhesion G protein-coupled receptor V1; plus strand). Cytogenetic location: 5q14.3.
Variant type: Microsatellite.
Coding change: c.7018ATT[2] on transcript NM_032119.4 (MANE Select); two copies in a row of the 3-base unit ATT starting at c.7018; the reference has three copies in a row; one copy, 3 bases deleted.
Protein change: p.Ile2342del; deletes isoleucine 2342.
Molecular consequence: inframe deletion. On other transcripts: non-coding transcript variant (1).
Genome position (GRCh38, 1-based): chr5:90,692,677-90,692,679, ATT deleted; deleting any 3 consecutive bases within chr5:90,692,670-90,692,679 gives the same sequence; the position shown is the placement nearest the transcript's 3' end. VCF-style (leftmost placement, unchanged base first): chr5-90692669-ATAT-A. GRCh37 (hg19) VCF-style: chr5-89988486-ATAT-A.
Other names: short protein forms I2342del.
Identifiers: ClinVar variation 2999213 (VCV002999213.3), dbSNP rs2530928790, ClinGen allele CA2674567854.
Genomic context (GRCh38, chr5:90,692,669, plus strand): 5'-TCCAAGTGCAACTAACTGATGCCTCTGGTGGAGGTACTATTGGGTTAGATCGAATTGCAA[ATAT>A]TATTATTCCTGCCAATGATGATCCTTATGGTACAGTAGCCTTTGCTCAGATGGTTTATCG-3'